The following is an entry in ClinVar:

ClinVar aggregate classification (germline): Pathogenic (1 of 4 stars; one submission).

Submission:

Labcorp Genetics (formerly Invitae), Labcorp
Classification: Pathogenic. Last evaluated: 2022-08-09. Review status: criteria provided, single submitter. Criteria: Invitae Variant Classification Sherloc (09022015). Collection method: clinical testing. Allele origin: germline.
Comment: For these reasons, this variant has been classified as Pathogenic. This variant disrupts a region of the PHEX protein in which other variant(s) (p.Trp749Arg) have been determined to be pathogenic (PMID: 9768674, 29858904; Invitae). This suggests that this is a clinically significant region of the protein, and that variants that disrupt it are likely to be disease-causing. Algorithms developed to predict the effect of sequence changes on RNA splicing suggest that this variant may disrupt the consensus splice site. ClinVar contains an entry for this variant (Variation ID: 1442513). This variant has not been reported in the literature in individuals affected with PHEX-related conditions. This variant is not present in population databases (gnomAD no frequency). This sequence change creates a premature translational stop signal (p.Glu725Lysfs*15) in the PHEX gene. While this is not anticipated to result in nonsense mediated decay, it is expected to disrupt the last 25 amino acid(s) of the PHEX protein.

Literature cited by the submitters: PubMed 9768674; PubMed 29858904.

NM_000444.6(PHEX):c.2173del (p.Glu725fs)

Genes: PHEX (phosphate regulating endopeptidase X-linked; plus strand), PTCHD1-AS (PTCHD1 and PHEX antisense RNA; minus strand). Cytogenetic location: Xp22.11.
Variant type: Deletion.
Coding change: c.2173del on transcript NM_000444.6 (MANE Select); coding-DNA position 2173, one base deleted (G; older notation c.2173delG).
Protein change: p.Glu725fs; shifts the reading frame from glutamic acid 725.
Molecular consequence: frameshift variant. On other transcripts: 3 prime UTR variant (1).
Genome position (GRCh38, 1-based): chrX:22,247,876, G deleted. VCF-style (leftmost placement, unchanged base first): chrX-22247875-TG-T. GRCh37 (hg19) VCF-style: chrX-22265992-TG-T.
Other names: c.*8del (NM_001282754.2); short protein forms E725fs.
Identifiers: ClinVar variation 1442513 (VCV001442513.6), dbSNP rs2147217280, ClinGen allele CA2573158555.